The following is an entry in ClinVar:

ClinVar aggregate classification (germline): Uncertain significance (1 of 4 stars; one submission).

Submission:

Labcorp Genetics (formerly Invitae), Labcorp
Classification: Uncertain significance. Last evaluated: 2024-07-23. Review status: criteria provided, single submitter. Criteria: Invitae Variant Classification Sherloc (09022015). Collection method: clinical testing. Allele origin: germline.
Comment: This sequence change replaces lysine, which is basic and polar, with asparagine, which is neutral and polar, at codon 370 of the LZTS1 protein (p.Lys370Asn). This variant is not present in population databases (gnomAD no frequency). This variant has not been reported in the literature in individuals affected with LZTS1-related conditions. Advanced modeling of protein sequence and biophysical properties (such as structural, functional, and spatial information, amino acid conservation, physicochemical variation, residue mobility, and thermodynamic stability) performed at Invitae indicates that this missense variant is not expected to disrupt LZTS1 protein function with a negative predictive value of 80%. In summary, the available evidence is currently insufficient to determine the role of this variant in disease. Therefore, it has been classified as a Variant of Uncertain Significance.

NM_021020.5(LZTS1):c.1110G>T (p.Lys370Asn)

Gene: LZTS1 (leucine zipper tumor suppressor 1; minus strand). Cytogenetic location: 8p21.3.
Variant type: single nucleotide variant.
Coding change: c.1110G>T on transcript NM_021020.5 (MANE Select); coding-DNA position 1110, G replaced by T.
Protein change: p.Lys370Asn; replaces lysine 370 with asparagine.
Molecular consequence: missense variant.
Genome position (GRCh38, 1-based): chr8:20,252,821, C>A on the plus strand (G>T on the coding strand, the complement: LZTS1 is on the minus strand). VCF-style: chr8-20252821-C-A. GRCh37 (hg19) VCF-style: chr8-20110332-C-A.
Other names: c.1110G>T, p.Lys370Asn (NM_001362884.2); short protein forms K370N.
Identifiers: ClinVar variation 3677606 (VCV003677606.2).